The following is an entry in ClinVar:

NM_000059.4(BRCA2):c.8928C>G (p.Ser2976Arg)

Gene: BRCA2 (BRCA2 DNA repair associated; plus strand). Cytogenetic location: 13q13.1.
Variant type: single nucleotide variant.
Coding change: c.8928C>G on transcript NM_000059.4 (MANE Select); coding-DNA position 8928, C replaced by G.
Protein change: p.Ser2976Arg; replaces serine 2976 with arginine.
Molecular consequence: missense variant.
Genome position (GRCh38, 1-based): chr13:32,379,490, C>G. VCF-style: chr13-32379490-C-G. GRCh37 (hg19) VCF-style: chr13-32953627-C-G.
Other names: short protein forms S2976R.
Identifiers: ClinVar variation 233430 (VCV000233430.27), dbSNP rs771267741, ClinGen allele CA10579802.

ClinVar aggregate classification (germline): Conflicting classifications of pathogenicity. Review status: criteria provided, conflicting classifications (1 of 4 stars). 9 submissions from 9 submitters: Uncertain significance (7); Likely benign (1). 1 of the submissions does not count toward it. Last evaluated 2025-08-20.

Conditions:
BRCA2-related disorder. Also called: BRCA2-related condition; BRCA2-related disorders. Identifiers: MedGen CN239275.
Familial cancer of breast. Also called: hereditary breast carcinoma; BREAST CANCER, FAMILIAL; Hereditary breast cancer. Identifiers: Orphanet 227535, MedGen C0346153, MONDO:0016419, OMIM 114480. Disease mechanism: loss of function.
Hereditary cancer-predisposing syndrome. Also called: Tumor predisposition; Hereditary Cancer Syndrome; Hereditary neoplastic syndrome; Neoplastic Syndromes, Hereditary. Identifiers: Orphanet 140162, MedGen C0027672, MeSH D009386, MONDO:0015356.
Hereditary breast ovarian cancer syndrome. Also called: Hereditary breast and ovarian cancer; Breast and ovarian cancer; BRCA1- and BRCA2-Associated Hereditary Breast and Ovarian Cancer; Hereditary breast and ovarian cancer syndrome; Hereditary breast and ovarian cancer syndrome (HBOC); Hereditary breast and/or ovarian cancer syndrome. Identifiers: Orphanet 145, MedGen C0677776, MeSH D061325, MONDO:0003582. Disease mechanism: loss of function.
Breast-ovarian cancer, familial, susceptibility to, 2 (BROVCA2). Also called: BRCA2 Hereditary Breast and Ovarian Cancer. Identifiers: Orphanet 145, MedGen C2675520, MONDO:0012933, OMIM 612555. Disease mechanism: loss of function.

gnomAD v4.1: 1 of 1,612,446 alleles (0.000062%); highest among the groups gnomAD compares: Non-Finnish European, 0.000085%; no homozygotes.

Submissions (9):

Labcorp Genetics (formerly Invitae), Labcorp
Classification: Uncertain significance for Hereditary breast ovarian cancer syndrome. Last evaluated: 2025-08-20. Review status: criteria provided, single submitter. Criteria: Invitae Variant Classification Sherloc (09022015). Collection method: clinical testing. Allele origin: germline.
Comment: This sequence change replaces serine, which is neutral and polar, with arginine, which is basic and polar, at codon 2976 of the BRCA2 protein (p.Ser2976Arg). This variant is not present in population databases (gnomAD no frequency). This variant has not been reported in the literature in individuals affected with BRCA2-related conditions. ClinVar contains an entry for this variant (Variation ID: 233430). Invitae Evidence Modeling of protein sequence and biophysical properties (such as structural, functional, and spatial information, amino acid conservation, physicochemical variation, residue mobility, and thermodynamic stability) indicates that this missense variant is not expected to disrupt BRCA2 protein function with a negative predictive value of 95%. In summary, the available evidence is currently insufficient to determine the role of this variant in disease. Therefore, it has been classified as a Variant of Uncertain Significance.

Color Diagnostics, LLC DBA Color Health
Classification: Uncertain significance for Hereditary cancer-predisposing syndrome. Last evaluated: 2025-07-18. Review status: criteria provided, single submitter. Criteria: ACMG Guidelines, 2015. Collection method: clinical testing. Allele origin: germline.
Comment: This missense variant replaces serine with arginine at codon 2976 of the BRCA2 protein. Computational prediction suggests that this variant may not impact protein structure and function. To our knowledge, functional studies have not been reported for this variant. This variant has not been reported in individuals affected with BRCA2-related disorders in the literature. This variant has not been identified in the general population by the Genome Aggregation Database (gnomAD). The available evidence is insufficient to determine the role of this variant in disease conclusively. Therefore, this variant is classified as a Variant of Uncertain Significance.

Hereditary Cancer Clinic, Medical College of Georgia
Classification: Likely benign for Breast-ovarian cancer, familial, susceptibility to, 2. Last evaluated: 2025-01-27. Review status: criteria provided, single submitter. Criteria: ACMG Guidelines, 2015. Collection method: clinical testing. Allele origin: germline. Inheritance: Autosomal dominant inheritance. Affected: no. Observed: 1 heterozygote.
Comment: PM2 Absent from controls. PP4 Highly specific phenotype. BS3 In vivo functional studies show no damaging effect. BP5 Variant found in a tumor with an alternate mechanism of disease. The serine is not highly conserved and is not located in a functional domain of the protein, and the arginine has a moderate physicochemical difference (Grantham score 110).

ARUP Laboratories, Molecular Genetics and Genomics, ARUP Laboratories
Classification: Uncertain significance. Last evaluated: 2024-09-13. Review status: criteria provided, single submitter. Criteria: ARUP Molecular Germline Variant Investigation Process 2024. Collection method: clinical testing. Allele origin: germline.
Comment: The BRCA2 c.8928C>G; p.Ser2976Arg variant (rs771267741), to our knowledge, is not reported in the medical literature but is reported in ClinVar (Variation ID: 233430). This variant is absent from the Genome Aggregation Database (v2.1.1), indicating it is not a common polymorphism. Computational analyses are uncertain whether this variant is neutral or deleterious (REVEL: 0.468). Due to limited information, the clinical significance of this variant is uncertain at this time.

Ambry Genetics
Classification: Uncertain significance for Hereditary cancer-predisposing syndrome. Last evaluated: 2024-06-18. Review status: criteria provided, single submitter. Criteria: Ambry Variant Classification Scheme 2023. Collection method: clinical testing. Allele origin: germline.
Comment: The p.S2976R variant (also known as c.8928C>G), located in coding exon 21 of the BRCA2 gene, results from a C to G substitution at nucleotide position 8928. The serine at codon 2976 is replaced by arginine, an amino acid with dissimilar properties. This amino acid position is not well conserved in available vertebrate species. In addition, the in silico prediction for this alteration is inconclusive. Since supporting evidence is limited at this time, the clinical significance of this alteration remains unclear.

Baylor Genetics
Classification: Uncertain significance for Familial cancer of breast. Last evaluated: 2023-10-25. Review status: criteria provided, single submitter. Criteria: ACMG Guidelines, 2015. Collection method: clinical testing. Allele origin: unknown.

Women's Health and Genetics/Laboratory Corporation of America, LabCorp
Classification: Uncertain significance. Last evaluated: 2020-09-11. Review status: criteria provided, single submitter. Criteria: LabCorp Variant Classification Summary - May 2015. Collection method: clinical testing. Allele origin: germline.
Comment: Variant summary: BRCA2 c.8928C>G (p.Ser2976Arg) results in a non-conservative amino acid change in the encoded protein sequence. Three of five in-silico tools predict a damaging effect of the variant on protein function. The variant was absent in 248212 control chromosomes (gnomAD). The available data on variant occurrences in the general population are insufficient to allow any conclusion about variant significance. To our knowledge, no occurrence of c.8928C>G in individuals affected with Hereditary Breast And Ovarian Cancer Syndrome and no experimental evidence demonstrating its impact on protein function have been reported. Four ClinVar submitters (evaluation after 2014) cite the variant as uncertain significance. Based on the evidence outlined above, the variant was classified as uncertain significance.

GeneDx
Classification: Uncertain significance. Last evaluated: 2016-01-20. Review status: criteria provided, single submitter. Criteria: GeneDx Variant Classification (06012015). Collection method: clinical testing. Allele origin: germline. Affected: yes.
Comment: This variant is denoted BRCA2 c.8928C>G at the cDNA level, p.Ser2976Arg (S2976R) at the protein level, and results in the change of a Serine to an Arginine (AGC>AGG). Using alternate nomenclature, this variant would be defined as BRCA2 9156C>G. This variant has not, to our knowledge, been published in the literature as pathogenic or benign. BRCA2 Ser2976Arg was not observed in approximately 6,500 individuals of European and African American ancestry in the NHLBI Exome Sequencing Project, suggesting it is not a common benign variant in these populations. Since Serine and Arginine differ in some properties, this is considered a semi-conservative amino acid substitution. BRCA2 Ser2976Arg occurs at a position that is not conserved and is located within the DNA binding domain (Borg 2010). In silico analyses are inconsistent regarding the effect this variant may have on protein structure and function. Based on currently available evidence, it is unclear whether BRCA2 Ser2976Arg is a pathogenic or benign variant. We consider it to be a variant of uncertain significance.

PreventionGenetics, part of Exact Sciences
Classification: Uncertain significance for BRCA2-related condition. Last evaluated: 2024-08-12. Review status: no assertion criteria provided. Collection method: clinical testing. Allele origin: germline. Not counted in ClinVar's aggregate classification.
Comment: The BRCA2 c.8928C>G variant is predicted to result in the amino acid substitution p.Ser2976Arg. To our knowledge, this variant has not been reported in the literature or in gnomAD, indicating this variant is rare. This variant is classified as a variant of uncertain significance in ClinVar. At this time, the clinical significance of this variant is uncertain due to the absence of conclusive functional and genetic evidence.